The following is an entry in ClinVar:

ClinVar aggregate classification (germline): Uncertain significance (1 of 4 stars; one submission).

Conditions:
Hereditary cancer-predisposing syndrome. Also called: Tumor predisposition; Hereditary Cancer Syndrome; Hereditary neoplastic syndrome; Neoplastic Syndromes, Hereditary. Identifiers: Orphanet 140162, MedGen C0027672, MeSH D009386, MONDO:0015356.

Allele frequency attached by ClinVar (database versions not stated): gnomAD exomes below 0.00001.
gnomAD v4.1: 1 of 1,614,100 alleles (0.000062%); no homozygotes.

Submission:

Ambry Genetics
Classification: Uncertain significance for Hereditary cancer-predisposing syndrome. Last evaluated: 2023-01-18. Review status: criteria provided, single submitter. Criteria: Ambry Variant Classification Scheme 2023. Collection method: clinical testing. Allele origin: germline.
Comment: The p.S2285I variant (also known as c.6854G>T), located in coding exon 46 of the ATM gene, results from a G to T substitution at nucleotide position 6854. The serine at codon 2285 is replaced by isoleucine, an amino acid with dissimilar properties. This amino acid position is conserved. In addition, this alteration is predicted to be tolerated by in silico analysis. Since supporting evidence is limited at this time, the clinical significance of this alteration remains unclear.

NM_000051.4(ATM):c.6854G>T (p.Ser2285Ile)

Genes: ATM (ATM serine/threonine kinase; plus strand), C11orf65 (chromosome 11 open reading frame 65; minus strand). Cytogenetic location: 11q22.3.
Variant type: single nucleotide variant.
Coding change: c.6854G>T on transcript NM_000051.4 (MANE Select); coding-DNA position 6854, G replaced by T.
Protein change: p.Ser2285Ile; replaces serine 2285 with isoleucine.
Molecular consequence: missense variant. On other transcripts: intron variant (2).
Genome position (GRCh38, 1-based): chr11:108,326,104, G>T. VCF-style: chr11-108326104-G-T. GRCh37 (hg19) VCF-style: chr11-108196831-G-T.
Other names: c.6854G>T, p.Ser2285Ile (NM_001351834.2); c.641-17033C>A (NM_001330368.2); c.*38+9116C>A (NM_001351110.2); short protein forms S2285I.
Identifiers: ClinVar variation 2453962 (VCV002453962.2), dbSNP rs2136333537, ClinGen allele CA382556688.